The following is an entry in ClinVar:

GRCh38/hg38 2p13.2(chr2:71503117-71517137)x0

Genes: DYSF (dysferlin; plus strand), LOC122787136 (Sharpr-MPRA regulatory region 7639; plus strand). Cytogenetic location: 2p13.2.
Variant type: copy number loss.
Change: copy number 0 (both copies lost) of chr2:71,503,117-71,517,137 (14.0 kb, GRCh38 coordinates, 1-based), cytogenetic band 2p13.2.
Identifiers: ClinVar variation 2579224 (VCV002579224.1).

ClinVar aggregate classification (germline): Pathogenic (1 of 4 stars; one submission).

Conditions:
Autosomal recessive limb-girdle muscular dystrophy type 2B (LGMDR2). Also called: Limb-girdle muscular dystrophy, type 2B; Limb-Girdle Muscular Dystrophy Type 2B (LGMD2B); MUSCULAR DYSTROPHY, LIMB-GIRDLE, TYPE 3; MUSCULAR DYSTROPHY, LIMB-GIRDLE, AUTOSOMAL RECESSIVE 2. Identifiers: Orphanet 268, MedGen C1850889, MONDO:0009676, OMIM 253601.

Submission:

Broad Center for Mendelian Genomics, Broad Institute of MIT and Harvard
Classification: Pathogenic for Autosomal recessive limb-girdle muscular dystrophy type 2B. Last evaluated: 2023-08-24. Review status: criteria provided, single submitter. Criteria: ACMG/ClinGen CNV Guidelines, 2019. Collection method: research. Allele origin: unknown. Inheritance: Autosomal recessive inheritance. Affected: yes.
Comment: A homozygous deletion of exons 4-9 in DYSF (NM_001130987.2) was identified by exome sequencing in two siblings with limb-girdle muscular dystrophy ([GRCh 38] chr2:71503117_71517137x0). These breakpoints have been estimated by exome sequencing only and therefore may not reflect the true breakpoints. Inheritance information is unavailable. The patient phenotypes are nonspecific, but are consistent with cases described in the literature and/or published databases with overlapping variants. This intragenic variant is predicted to cause a frameshift, which alters the protein’s amino acid sequence beginning at exon 4 and leads to a premature termination codon. This alteration is then predicted to lead to a truncated or absent protein. Loss of function of DYSF is an established disease mechanism in autosomal recessive limb-girdle muscular dystrophy. In summary, this variant meets criteria to be classified as pathogenic for autosomal recessive limb-girdle muscular dystrophy. The ACMG/ClinGen evidence codes and points used in this curation are as follows: 1: 0 points, 2: 0.90 points, 3: 0 points, 4-5: 0.15 points; Total: 1.05 points; Riggs 2020 (PMID: 31690835).